The following is an entry in ClinVar:

ClinVar aggregate classification (germline): Uncertain significance (1 of 4 stars; one submission).

Allele frequency attached by ClinVar (database versions not stated): ExAC 0.00001.
gnomAD v4.1: 6 of 1,614,090 alleles (0.00037%); highest among the groups gnomAD compares: Non-Finnish European, 0.00034%; no homozygotes.

Submission:

Labcorp Genetics (formerly Invitae), Labcorp
Classification: Uncertain significance. Last evaluated: 2021-12-28. Review status: criteria provided, single submitter. Criteria: Invitae Variant Classification Sherloc (09022015). Collection method: clinical testing. Allele origin: germline.
Comment: In summary, the available evidence is currently insufficient to determine the role of this variant in disease. Therefore, it has been classified as a Variant of Uncertain Significance. Algorithms developed to predict the effect of missense changes on protein structure and function (SIFT, PolyPhen-2, Align-GVGD) all suggest that this variant is likely to be tolerated. This variant has not been reported in the literature in individuals affected with PRMT7-related conditions. This variant is present in population databases (rs774892163, gnomAD 0.0009%). This sequence change replaces glutamine, which is neutral and polar, with histidine, which is basic and polar, at codon 361 of the PRMT7 protein (p.Gln361His).

NM_019023.5(PRMT7):c.1083G>T (p.Gln361His)

Gene: PRMT7 (protein arginine methyltransferase 7; plus strand). Cytogenetic location: 16q22.1.
Variant type: single nucleotide variant.
Coding change: c.1083G>T on transcript NM_019023.5 (MANE Select); coding-DNA position 1083, G replaced by T.
Protein change: p.Gln361His; replaces glutamine 361 with histidine.
Molecular consequence: missense variant. On other transcripts: non-coding transcript variant (12).
Genome position (GRCh38, 1-based): chr16:68,346,172, G>T. VCF-style: chr16-68346172-G-T. GRCh37 (hg19) VCF-style: chr16-68380075-G-T.
Other names: c.933G>T, p.Gln311His (NM_001184824.4); c.1083G>T, p.Gln361His (NM_001290018.2, NM_001351143.3, NM_001351144.3 and 1 more transcripts); c.876G>T, p.Gln292His (NM_001378020.1); c.846G>T, p.Gln282His (NM_001378021.1, NM_001378022.1, NM_001378023.1); short protein forms Q311H, Q282H, Q361H, Q292H.
Identifiers: ClinVar variation 1951322 (VCV001951322.5), dbSNP rs774892163, ClinGen allele CA8127326.